The following is an entry in ClinVar:

ClinVar aggregate classification (germline): Uncertain significance (1 of 4 stars; one submission).

Allele frequency attached by ClinVar (database versions not stated): ExAC 0.00001; gnomAD exomes 0.00001.
gnomAD v4.1: 3 of 1,613,658 alleles (0.00019%); highest among the groups gnomAD compares: Non-Finnish European, 0.00025%; no homozygotes.

Submission:

Ambry Genetics
Classification: Uncertain significance. Last evaluated: 2022-12-17. Review status: criteria provided, single submitter. Criteria: Ambry Variant Classification Scheme 2023. Collection method: clinical testing. Allele origin: germline.
Comment: The p.G796R variant (also known as c.2386G>C), located in coding exon 20 of the BUB1 gene, results from a G to C substitution at nucleotide position 2386. The glycine at codon 796 is replaced by arginine, an amino acid with dissimilar properties. This amino acid position is conserved. In addition, this alteration is predicted to be deleterious by in silico analysis. Since supporting evidence is limited at this time, the clinical significance of this alteration remains unclear.

NM_004336.5(BUB1):c.2386G>C (p.Gly796Arg)

Gene: BUB1 (BUB1 mitotic checkpoint serine/threonine kinase; minus strand). Cytogenetic location: 2q13.
Variant type: single nucleotide variant.
Coding change: c.2386G>C on transcript NM_004336.5 (MANE Select); coding-DNA position 2386, G replaced by C.
Protein change: p.Gly796Arg; replaces glycine 796 with arginine.
Molecular consequence: missense variant.
Genome position (GRCh38, 1-based): chr2:110,642,196, C>G on the plus strand (G>C on the coding strand, the complement: BUB1 is on the minus strand). VCF-style: chr2-110642196-C-G. GRCh37 (hg19) VCF-style: chr2-111399773-C-G.
Other names: c.2326G>C, p.Gly776Arg (NM_001278616.2); c.2386G>C, p.Gly796Arg (NM_001278617.2); short protein forms G776R, G796R.
Identifiers: ClinVar variation 2451241 (VCV002451241.2), dbSNP rs774922803, ClinGen allele CA1827794.